The following is an entry in ClinVar:

ClinVar aggregate classification (germline): Likely pathogenic (1 of 4 stars; one submission).

Submission:

GeneDx
Classification: Likely pathogenic. Last evaluated: 2019-01-21. Review status: criteria provided, single submitter. Criteria: GeneDx Variant Classification (06012015). Collection method: clinical testing. Allele origin: germline. Affected: yes.
Comment: A variant that is likely pathogenic has been identified in the SCN1A gene. The c.5489_5490insAA variant has not been published as a pathogenic variant, nor has it been reported as a benign variant to our knowledge. The c.5489_5490insAA variant causes a frameshift starting with codon Phenylalanine 1831, changes this amino acid to a Serine residue and creates a premature Stop codon at position 28 of the new reading frame, denoted p.Phe1831SerfsX28. This frameshift variant is predicted to result in protein truncation, as the last 179 amino acids are lost and replaced with 27 incorrect amino acids. The c.5489_5490insAA variant is not observed in large population cohorts (Lek et al., 2016). Therefore, this variant is likely pathogenic; however, the possibility that it is benign cannot be excluded.

NM_001165963.4(SCN1A):c.5489_5490insAA (p.Phe1831fs)

Genes: SCN1A (sodium voltage-gated channel alpha subunit 1; minus strand), LOC102724058 (uncharacterized LOC102724058; plus strand). Cytogenetic location: 2q24.3.
Variant type: Insertion.
Coding change: c.5489_5490insAA on transcript NM_001165963.4 (MANE Select); coding-DNA positions 5489 to 5490, AA inserted.
Protein change: p.Phe1831fs; shifts the reading frame from phenylalanine 1831.
Molecular consequence: frameshift variant. On other transcripts: non-coding transcript variant (1).
Genome position: GRCh38 VCF-style: chr2-165991785-C-CTT. GRCh37 (hg19) VCF-style: chr2-166848295-C-CTT.
Other names: c.5405_5406insAA, p.Phe1803fs (NM_001165964.3, NM_001353957.2, NM_001353958.2); c.5489_5490insAA, p.Phe1831fs (NM_001202435.3, NM_001353948.2); c.5456_5457insAA, p.Phe1820fs (NM_001353949.2, NM_001353950.2, NM_001353951.2 and 2 more transcripts); c.5453_5454insAA, p.Phe1819fs (NM_001353954.2, NM_001353955.2); c.5402_5403insAA, p.Phe1802fs (NM_001353960.2); c.3047_3048insAA, p.Phe1017fs (NM_001353961.2); short protein forms F1802fs, F1803fs, F1820fs, F1017fs, F1819fs, F1831fs.
Identifiers: ClinVar variation 817128 (VCV000817128.1), dbSNP rs1573945872, ClinGen allele CA915942864.